The following is an entry in ClinVar:

NM_001166108.2(PALLD):c.859C>G (p.Arg287Gly)

Gene: PALLD (palladin, cytoskeletal associated protein; plus strand). Cytogenetic location: 4q32.3.
Variant type: single nucleotide variant.
Coding change: c.859C>G on transcript NM_001166108.2 (MANE Select); coding-DNA position 859, C replaced by G.
Protein change: p.Arg287Gly; replaces arginine 287 with glycine.
Molecular consequence: missense variant.
Genome position (GRCh38, 1-based): chr4:168,512,363, C>G. VCF-style: chr4-168512363-C-G. GRCh37 (hg19) VCF-style: chr4-169433514-C-G.
Other names: c.859C>G, p.Arg287Gly (NM_016081.4); short protein forms R287G.
Identifiers: ClinVar variation 1763971 (VCV001763971.2), dbSNP rs138149986, ClinGen allele CA358728530.
Genomic context (GRCh38, chr4:168,512,363, plus strand): 5'-TTCCCAGCTGCACCTCGATTCATCCAAAAGCTGAGGAGCCAAGAAGTAGCAGAAGGGAGC[C>G]GAGTTTATCTGGAGTGTAGAGTCACTGGAAACCCCACTCCTCGAGTCAGGTATGAATTTT-3'
Protein context (NP_001159580.1, residues 277-297): LRSQEVAEGS[Arg287Gly]VYLECRVTGN

ClinVar aggregate classification (germline): Uncertain significance (1 of 4 stars; one submission).

gnomAD v4.1: 1 of 1,613,884 alleles (0.000062%); highest among the groups gnomAD compares: Non-Finnish European, 0.000085%; no homozygotes.

Submission:

Ambry Genetics
Classification: Uncertain significance. Last evaluated: 2023-10-22. Review status: criteria provided, single submitter. Criteria: Ambry Variant Classification Scheme 2023. Collection method: clinical testing. Allele origin: germline.
Comment: The p.R287G variant (also known as c.859C>G), located in coding exon 1 of the PALLD gene, results from a C to G substitution at nucleotide position 859. The arginine at codon 287 is replaced by glycine, an amino acid with dissimilar properties. This amino acid position is conserved. In addition, this alteration is predicted to be tolerated by in silico analysis. Since supporting evidence is limited at this time, the clinical significance of this alteration remains unclear.